The following is an entry in ClinVar:

ClinVar aggregate classification (germline): Benign/Likely benign. Review status: criteria provided, multiple submitters, no conflicts (2 of 4 stars). 11 submissions from 8 submitters: Benign (5); Likely benign (2). 4 of the submissions do not count toward it. Last evaluated 2025-12-26.

Conditions:
TTN-related disorder. Also called: TTN-related disorders; TTN-related condition; TTN-related disease.
Dilated cardiomyopathy 1G (CMD1G). Identifiers: Orphanet 154, MedGen C1858763, MONDO:0011400, OMIM 604145.
Autosomal recessive limb-girdle muscular dystrophy type 2J (LGMDR10). Also called: Limb-girdle muscular dystrophy, type 2J; MUSCULAR DYSTROPHY, LIMB-GIRDLE, AUTOSOMAL RECESSIVE 10. Identifiers: Orphanet 140922, MedGen C1837342, MONDO:0012127, OMIM 608807.
Early-onset myopathy with fatal cardiomyopathy (CMYO5). Also called: CONGENITAL MYOPATHY 5 WITH CARDIOMYOPATHY; Salih Myopathy. Identifiers: Orphanet 289377, MedGen C2673677, MONDO:0012714, OMIM 611705. Disease mechanism: loss of function.
Myopathy, myofibrillar, 9, with early respiratory failure (MFM9). Also called: MYOPATHY, PROXIMAL, WITH EARLY RESPIRATORY MUSCLE INVOLVEMENT; Myopathy, distal, with early respiratory failure, autosomal dominant; Hereditary myopathy with early respiratory failure; EDSTROM MYOPATHY. Identifiers: Orphanet 178464, Orphanet 34521, MedGen C1863599, MONDO:0011362, OMIM 603689.
Tibial muscular dystrophy (TMD). Also called: Tibial muscular dystrophy, tardive; UDD MYOPATHY; Udd Distal Myopathy – Tibial Muscular Dystrophy. Identifiers: Orphanet 609, MedGen C1838244, MONDO:0010870, OMIM 600334.

Allele frequency attached by ClinVar (database versions not stated): gnomAD exomes 0.00002 and 0.00011; gnomAD 0.00003 and 0.00006; TOPMed 0.00005; ExAC 0.00010; 1000 Genomes Project 30x 0.00031; 1000 Genomes Project 0.00040.
gnomAD v4.1: 50 of 1,613,452 alleles (0.0031%); highest among the groups gnomAD compares: East Asian, 0.094%; no homozygotes.

Submissions (11):

Labcorp Genetics (formerly Invitae), Labcorp
Classification: Benign for Dilated cardiomyopathy 1G; Autosomal recessive limb-girdle muscular dystrophy type 2J. Last evaluated: 2025-12-26. Review status: criteria provided, single submitter. Criteria: Invitae Variant Classification Sherloc (09022015). Collection method: clinical testing. Allele origin: germline.

Genome-Nilou Lab
Classification: Benign for Autosomal recessive limb-girdle muscular dystrophy type 2J. Last evaluated: 2021-09-10. Review status: criteria provided, single submitter. Criteria: ACMG Guidelines, 2015. Collection method: clinical testing. Allele origin: germline. Affected: no.

Genome-Nilou Lab
Classification: Benign for Myopathy, myofibrillar, 9, with early respiratory failure. Last evaluated: 2021-09-10. Review status: criteria provided, single submitter. Criteria: ACMG Guidelines, 2015. Collection method: clinical testing. Allele origin: germline. Affected: no.

Genome-Nilou Lab
Classification: Benign for Early-onset myopathy with fatal cardiomyopathy. Last evaluated: 2021-09-10. Review status: criteria provided, single submitter. Criteria: ACMG Guidelines, 2015. Collection method: clinical testing. Allele origin: germline. Affected: no.

Genome-Nilou Lab
Classification: Benign for Tibial muscular dystrophy. Last evaluated: 2021-09-10. Review status: criteria provided, single submitter. Criteria: ACMG Guidelines, 2015. Collection method: clinical testing. Allele origin: germline. Affected: no.

GeneDx
Classification: Likely benign. Last evaluated: 2020-05-20. Review status: criteria provided, single submitter. Criteria: GeneDx Variant Classification Process June 2021. Collection method: clinical testing. Allele origin: germline. Affected: yes.

Laboratory for Molecular Medicine, Mass General Brigham Personalized Medicine
Classification: Likely benign. Last evaluated: 2012-04-05. Review status: criteria provided, single submitter. Criteria: LMM Criteria. Collection method: clinical testing. Allele origin: germline. Observed: 1 variant allele.
Comment: Gln4877Gln in exon 60 of TTN: This variant is not expected to have clinical sign ificance because it does not alter an amino acid residue and it is not located w ithin the splice consensus sequence. Gln4877Gln in exon 60 of TTN (allele freq uency = n/a)

PreventionGenetics, part of Exact Sciences
Classification: Likely benign for TTN-related condition. Last evaluated: 2023-08-02. Review status: no assertion criteria provided. Collection method: clinical testing. Allele origin: germline. Not counted in ClinVar's aggregate classification.
Comment: This variant is classified as likely benign based on ACMG/AMP sequence variant interpretation guidelines (Richards et al. 2015 PMID: 25741868, with internal and published modifications).

Clinical Genetics DNA and cytogenetics Diagnostics Lab, Erasmus MC, Erasmus Medical Center
Classification: Likely benign. Review status: no assertion criteria provided. Collection method: clinical testing. Allele origin: germline. Affected: yes. Study: VKGL Data-share Consensus. Not counted in ClinVar's aggregate classification.

Clinical Genetics, Academic Medical Center
Classification: Benign. Review status: no assertion criteria provided. Collection method: clinical testing. Allele origin: germline. Affected: yes. Study: VKGL Data-share Consensus. Not counted in ClinVar's aggregate classification.

Laboratory of Diagnostic Genome Analysis, Leiden University Medical Center (LUMC)
Classification: Likely benign. Review status: no assertion criteria provided. Collection method: clinical testing. Allele origin: germline. Affected: yes. Study: VKGL Data-share Consensus. Not counted in ClinVar's aggregate classification.

NM_001267550.2(TTN):c.18363G>A (p.Gln6121=)

Genes: TTN (titin; minus strand), LOC126806430 (BRD4-independent group 4 enhancer GRCh37_chr2:179593794-179594993; plus strand). Cytogenetic location: 2q31.2.
Variant type: single nucleotide variant.
Coding change: c.18363G>A on transcript NM_001267550.2 (MANE Select); coding-DNA position 18363, G replaced by A.
Protein change: p.Gln6121=; no amino-acid change (glutamine 6121 retained).
Molecular consequence: synonymous variant. On other transcripts: intron variant (3).
Genome position (GRCh38, 1-based): chr2:178,729,890, C>T on the plus strand (G>A on the coding strand, the complement: TTN is on the minus strand). VCF-style: chr2-178729890-C-T. GRCh37 (hg19) VCF-style: chr2-179594617-C-T.
Other names: c.13282+8192G>A (NM_003319.4); c.13858+8192G>A (NM_133437.4); c.13657+8192G>A (NM_133432.3); c.17412G>A, p.Gln5804= (NM_001256850.1); c.14631G>A, p.Gln4877= (NM_133378.4).
Identifiers: ClinVar variation 46637 (VCV000046637.25), dbSNP rs375032616, ClinGen allele CA138820.